The following is an entry in ClinVar:

NM_000169.3(GLA):c.848A>C (p.Gln283Pro)

Genes: GLA (galactosidase alpha; minus strand), RPL36A-HNRNPH2 (RPL36A-HNRNPH2 readthrough; plus strand). Cytogenetic location: Xq22.1.
Variant type: single nucleotide variant.
Coding change: c.848A>C on transcript NM_000169.3 (MANE Select); coding-DNA position 848, A replaced by C.
Protein change: p.Gln283Pro; replaces glutamine 283 with proline.
Molecular consequence: missense variant. On other transcripts: non-coding transcript variant (3), intron variant (2).
Genome position (GRCh38, 1-based): chrX:101,398,521, T>G on the plus strand (A>C on the coding strand, the complement: GLA is on the minus strand). VCF-style: chrX-101398521-T-G. GRCh37 (hg19) VCF-style: chrX-100653509-T-G.
Other names: c.971A>C, p.Gln324Pro (NM_001406747.1); c.848A>C, p.Gln283Pro (NM_001406748.1); c.300+3064T>G (NM_001199973.2); c.177+6699T>G (NM_001199974.2); short protein forms Q283P, Q324P.
Identifiers: ClinVar variation 4087549 (VCV004087549.2).
Genomic context (GRCh38, chrX:101,398,521, plus strand): 5'-ATGTGTCGGAGGTCATTAGACATGAATAAAGGAGCAGCCATGATAGCCCAGAGGGCCATC[T>G]GAGTTACTTGCTGATTCCAGCTGAGGCCAAAGTTGCCAATCACTAACTGAGAAAAAGAAT-3'
Protein context (NP_000160.1, residues 273-293): FGLSWNQQVT[Gln283Pro]MALWAIMAAP

ClinVar aggregate classification (germline): Likely pathogenic (1 of 4 stars; one submission).

Conditions:
Fabry disease. Also called: ALPHA-GALACTOSIDASE A DEFICIENCY; ANDERSON-FABRY DISEASE; CERAMIDE TRIHEXOSIDASE DEFICIENCY; GLA DEFICIENCY; HEREDITARY DYSTOPIC LIPIDOSIS; Angiokeratoma corporis diffusum. Identifiers: Orphanet 324, MedGen C0002986, MONDO:0010526, OMIM 301500, HP:0001071. Disease mechanism: Fabry disease is due to inactivating mutations in the X-linked GLA gene resulting in deficiency of the enzyme Alpha Galactosidase-A., loss of function.

Submission:

Genomenon, Inc
Classification: Likely pathogenic for Fabry disease. Last evaluated: 2026-09-08. Review status: criteria provided, single submitter. Criteria: Genomenon Sequence Variant Interpretation Standards - Updated. Collection method: curation. Allele origin: germline. Affected: yes.
Comment: GLA p.Gln283Pro (c.848A>C) is a missense variant that changes the amino acid at codon 283 from Glutamine to Proline. This variant has been observed in at least one proband with clinical features consistent with Fabry disease (PMID:16595074). At least one functional study has demonstrated a substantial alteration in protein function relative to the wild-type (PMID:32023956;27657681). It is absent or not present at a significant frequency in gnomAD. In silico models predict that this variant is possibly or probably damaging. In conclusion, we classify GLA p.Gln283Pro (c.848A>C) as a likely pathogenic variant.

Literature cited by the submitters: PubMed 16595074; PubMed 32023956; PubMed 27657681.